The following continues an entry in ClinVar:

NM_000277.3(PAH):c.117C>G (p.Phe39Leu)

Gene: PAH. ClinVar aggregate classification (germline): Pathogenic. Pathogenic (1).

Submissions 12 to 23 of 23:

GeneDx
Classification: Pathogenic. Last evaluated: 2022-04-08. Review status: criteria provided, single submitter. Criteria: GeneDx Variant Classification Process June 2021. Collection method: clinical testing. Allele origin: germline. Affected: yes. Not counted in ClinVar's aggregate classification.
Comment: In silico analysis supports that this missense variant has a deleterious effect on protein structure/function; Tetrahydrobiopterin (BH4) responsiveness is inconsistent in individuals who harbor the F39L variant (Zurfluh et al., 2008; Ho et al., 2014; Jeannesson-Thivisol et al., 2015; Aldmiz-Echevarra et al., 2016); This variant is associated with the following publications: (PMID: 11461190, 21953985, 27121329, 27760515, 8659548, 12655544, 23559577, 2063869, 25087612, 16338627, 29102225, 10429004, 8592329, 23430918, 25563416, 1146119, 12655553, 30037505, 15557004, 26666653, 24368688, 29030855, 30648773, 32853555, 32668217, 32778825, 33465300, 17935162, 27535533)

Fulgent Genetics
Classification: Pathogenic for Phenylketonuria. Last evaluated: 2022-04-02. Review status: criteria provided, single submitter. Criteria: ACMG Guidelines, 2015. Collection method: clinical testing. Allele origin: unknown. Not counted in ClinVar's aggregate classification.

Genetics and Molecular Pathology, SA Pathology
Classification: Pathogenic for Phenylketonuria. Last evaluated: 2022-01-13. Review status: criteria provided, single submitter. Criteria: ACMG Guidelines, 2015. Collection method: clinical testing. Allele origin: germline. Inheritance: Autosomal recessive inheritance. Affected: yes. Not counted in ClinVar's aggregate classification.

Myriad Genetics, Inc.
Classification: Pathogenic for Phenylketonuria. Last evaluated: 2019-12-20. Review status: criteria provided, single submitter. Criteria: Myriad Women's Health Autosomal Recessive and X-Linked Classification Criteria (2019). Collection method: clinical testing. Allele origin: unknown. Not counted in ClinVar's aggregate classification.
Comment: NM_000277.1(PAH):c.117C>G(F39L) is classified as pathogenic in the context of phenylalanine hydroxylase deficiency. Sources cited for classification include the following: PMID 8592329, 21953985, 10429004, 24368688, 26666653, and 12173030. Classification of NM_000277.1(PAH):c.117C>G(F39L) is based on the following criteria: This is a well-established pathogenic variant in the literature that has been observed more frequently in patients with clinical diagnoses than in healthy populations. Please note: this variant was assessed in the context of healthy population screening.

Genetic Services Laboratory, University of Chicago
Classification: Pathogenic. Last evaluated: 2017-11-29. Review status: criteria provided, single submitter. Criteria: ACMG Guidelines, 2015. Collection method: clinical testing. Allele origin: germline. Affected: yes. Not counted in ClinVar's aggregate classification.

Quest Diagnostics Nichols Institute San Juan Capistrano
Classification: Pathogenic. Last evaluated: 2017-09-13. Review status: criteria provided, single submitter. Criteria: Quest Diagnostics criteria. Collection method: clinical testing. Allele origin: germline. Not counted in ClinVar's aggregate classification.

Illumina Laboratory Services, Illumina
Classification: Pathogenic for Phenylketonuria. Last evaluated: 2017-04-27. Review status: criteria provided, single submitter. Criteria: ICSL Variant Classification Criteria 09 May 2019. Collection method: clinical testing. Allele origin: germline. Not counted in ClinVar's aggregate classification.
Comment: The PAH c.117C>G (p.Phe39Leu) missense variant is well-described in the literature and has been identified individuals with varying phenotypes, ranging from classic phenylketonuria (PKU) to untreated hyperphenylalaninemia with normal intelligence (Forrest et al. 1991; Tyfield et al. 1995; Kayaalp 1997). Across a selection of the available literature the p.Phe39Leu variant has been reported in a compound heterozygous state in at least seven patients and in at least 101 of 1738 patient alleles where zygosity was not specified (Forrest et al. 1991; Guldberg et al. 1993; Tyfield et al. 1995; Zschocke et al. 1995; O'Donnell et al. 2002; Erlandsen et al. 2004; ZurflÃ¼h et al 2008; Polak et al. 2013). The p.Phe39Leu variant is more common in Scottish and Northern Irish PKU populations, with a frequency of approximately 6% and 9.5% respectively (Tyfield et al., 1995; Zschocke et al., 1995). In vitro functional analysis by Waters et al. (1999 and 2000) revealed that the variant is associated with increased protein aggregation and accelerated proteolytic degradation compared to wild type, as well as partial conversion of normal oligomeric protein forms to higher molecular weight aggregates. The p.Phe39Leu variant was absent from at least 236 controls and is reported at a frequency of 0.00013 in the European (non-Finnish) population of the Exome Aggregation Consortium. The variant is generally described as a BH4-responsive variant (Erlandsen et al. 2004; ZurflÃ¼h et al. 2008; Heintz et al. 2012). Based on the collective evidence, the p.Phe39Leu variant is classified as pathogenic for phenylalanine hydroxylase deficiency. This variant was observed by ICSL as part of a predisposition screen in an ostensibly healthy population.

Women's Health and Genetics/Laboratory Corporation of America, LabCorp
Classification: Pathogenic for Phenylketonuria. Last evaluated: 2017-02-16. Review status: criteria provided, single submitter. Criteria: LabCorp Variant Classification Summary - May 2015. Collection method: clinical testing. Allele origin: germline. Not counted in ClinVar's aggregate classification.
Comment: Variant summary: The PAH c.117C>G (p.Phe39Leu) variant located in the ACT domain (via InterPro) involves the alteration of a conserved nucleotide, which 3/5 in silico tools predict a damaging outcome. The variant of interest was observed in the large, broad control population, ExAC, with an allele frequency of 11/121396 (1/11037), which does not exceed the estimated maximal expected allele frequency for a pathogenic PAH variant of 1/126. Multiple publications have cited the variant in homozygous and compound heterozygous affected individuals. Publications have indicated that the variant causes a mild-moderate phenotype. In addition, multiple clinical diagnostic laboratories/reputable databases classified this variant as pathogenic. Taken together, this variant is classified as pathogenic.

Eurofins Ntd Llc (ga)
Classification: Pathogenic. Last evaluated: 2016-08-08. Review status: criteria provided, single submitter. Criteria: EGL Classification Definitions 2015. Collection method: clinical testing. Allele origin: germline. Observed: 8 variant alleles, 7 heterozygotes, 1 homozygote. Not counted in ClinVar's aggregate classification.

UNC Molecular Genetics  Laboratory, University of North Carolina at Chapel Hill
Classification: Pathogenic for Phenylketonuria. Review status: criteria provided, single submitter. Criteria: ACMG Guidelines, 2015. Collection method: research. Allele origin: germline. Affected: yes. Observed: 1 variant allele. Study: NSIGHT-NC NEXUS. Not counted in ClinVar's aggregate classification.
Comment: The PAH c.117C>G (p.F39L) missense variant has been reported in individuals with affected with phenylketonuria (PKU), mild PKU and hyperphenylalaninemia (PMID: 8592329; 8533759; 8659548; 12655553; 15557004).

OMIM
Classification: Pathogenic for PHENYLKETONURIA. Last evaluated: 1991-07-01. Review status: no assertion criteria provided. Collection method: literature only. Allele origin: germline. Not counted in ClinVar's aggregate classification.

DeBelle Laboratory for Biochemical Genetics, MUHC/MCH RESEARCH INSTITUTE
No classification provided. Review status: no classification provided. Collection method: not provided. Allele origin: not provided. Not counted in ClinVar's aggregate classification.

Literature cited by the submitters: PubMed 2063869 (cited by 5 submitters); PubMed 8592329 (cited by 5 submitters); PubMed 8659548 (cited by Labcorp Genetics (formerly Invitae), Labcorp and UNC Molecular Genetics  Laboratory, University of North Carolina at Chapel Hill); PubMed 12655544 (cited by Labcorp Genetics (formerly Invitae), Labcorp); PubMed 12655553 (cited by Labcorp Genetics (formerly Invitae), Labcorp and UNC Molecular Genetics  Laboratory, University of North Carolina at Chapel Hill); PubMed 17935162 (cited by 3 submitters); PubMed 1146119 (cited by Labcorp Genetics (formerly Invitae), Labcorp); PubMed 15557004 (cited by Labcorp Genetics (formerly Invitae), Labcorp and Illumina Laboratory Services, Illumina); PubMed 21953985 (cited by Labcorp Genetics (formerly Invitae), Labcorp and Myriad Genetics, Inc.); PubMed 25563416 (cited by Labcorp Genetics (formerly Invitae), Labcorp); PubMed 26666653 (cited by Natera, Inc. and Myriad Genetics, Inc.); PubMed 27121329 (cited by Natera, Inc.); PubMed 30037505 (cited by Mayo Clinic Laboratories, Mayo Clinic); PubMed 16338627 (cited by Ambry Genetics); PubMed 24368688 (cited by 3 submitters); PubMed 26542770 (cited by Ambry Genetics); PubMed 33465300 (cited by Ambry Genetics); PubMed 10429004 (cited by Myriad Genetics, Inc.); PubMed 12173030 (cited by Myriad Genetics, Inc. and Illumina Laboratory Services, Illumina); PubMed 11461190 (cited by Illumina Laboratory Services, Illumina); PubMed 23764561 (cited by Illumina Laboratory Services, Illumina); PubMed 8406445 (cited by Illumina Laboratory Services, Illumina); PubMed 9399896 (cited by Illumina Laboratory Services, Illumina); PubMed 8533759 (cited by Illumina Laboratory Services, Illumina and UNC Molecular Genetics  Laboratory, University of North Carolina at Chapel Hill); PubMed 23430918 (cited by Women's Health and Genetics/Laboratory Corporation of America, LabCorp); PubMed 20301677 (cited by UNC Molecular Genetics  Laboratory, University of North Carolina at Chapel Hill); PubMed 1555700 (cited by UNC Molecular Genetics  Laboratory, University of North Carolina at Chapel Hill).